The following is an entry in ClinVar:

ClinVar aggregate classification (germline): Pathogenic/Likely pathogenic. Review status: criteria provided, multiple submitters, no conflicts (2 of 4 stars). 10 submissions from 10 submitters: Pathogenic (6); Likely pathogenic (2). 2 of the submissions do not count toward it. Last evaluated 2025-05-22.

Conditions:
Congenital factor VII deficiency. Identifiers: Orphanet 327, MedGen C0272320, MONDO:0009211, OMIM 227500.
Myocardial infarction, susceptibility to. Identifiers: MedGen C1832662, MONDO:0012039, OMIM 608446.
F7-related disorder. Also called: F7-related condition.
F7-related disorders.
Factor VII deficiency. Also called: F7 DEFICIENCY; HYPOPROCONVERTINEMIA; Factor 7 deficiency. Identifiers: MedGen C0015503, MeSH D005168, MONDO:0002244.

Allele frequency attached by ClinVar (database versions not stated): ExAC 0.00015; gnomAD exomes 0.00015 and 0.00004; 1000 Genomes Project 30x 0.00016; 1000 Genomes Project 0.00020; gnomAD 0.00006 and 0.00008; TOPMed 0.00009.
gnomAD v4.1: 84 of 1,611,680 alleles (0.0052%); highest among the groups gnomAD compares: Middle Eastern, 0.17%; no homozygotes.

Submissions (10):

GeneDx
Classification: Pathogenic. Last evaluated: 2025-05-22. Review status: criteria provided, single submitter. Criteria: GeneDx Variant Classification Process June 2021. Collection method: clinical testing. Allele origin: germline. Affected: yes.
Comment: In silico analysis supports that this missense variant has a deleterious effect on protein structure/function; Also known as p.A244V; This variant is associated with the following publications: (PMID: 8914649, 36760778, 34272389, 34426522, 34027285, 38202056, 37647632, 37761907, 38397060, 29876229, 29104756, 28447100, 33477601, 32333443, 30261521, 23314101, 32935436, 10554827, 11202627, 11129332, 39498263, 8883260, 31064749, 9452082, 18669152)

PreventionGenetics, part of Exact Sciences
Classification: Pathogenic for F7-related condition. Last evaluated: 2024-12-03. Review status: criteria provided, single submitter. Criteria: ACMG Guidelines, 2015. Collection method: clinical testing. Allele origin: germline.
Comment: The F7 c.911C>T variant is predicted to result in the amino acid substitution p.Ala304Val. This variant (aka p.Ala244Val) has been reported to cause factor VII deficiency and alter factor VII protein levels (Tamary et al. 1996. PubMed ID: 8883260; Hunault et al. 1999. PubMed ID: 10554827; Factor VII Gene (F7) Variant Database). This variant is reported in 0.082% of alleles in individuals of Latino descent in gnomAD. This variant is interpreted as pathogenic.

Mayo Clinic Laboratories, Mayo Clinic
Classification: Pathogenic. Last evaluated: 2024-10-14. Review status: criteria provided, single submitter. Criteria: ACMG Guidelines, 2015. Collection method: clinical testing. Allele origin: germline. Observed: 8 variant alleles.
Comment: PP3, PP5, PM1_supporting, PM3, PS3, PS4_moderate

Blueprint Genetics
Classification: Pathogenic for F7-related disorders. Last evaluated: 2024-03-15. Review status: criteria provided, single submitter. Criteria: ACMG Guidelines, 2015. Collection method: clinical testing. Allele origin: germline. Affected: yes. Observed: 5 variant alleles.

3billion
Classification: Pathogenic for Congenital factor VII deficiency. Last evaluated: 2023-02-23. Review status: criteria provided, single submitter. Criteria: ACMG Guidelines, 2015. Collection method: clinical testing. Allele origin: unknown. Affected: yes.
Comment: The variant is observed at an extremely low frequency in the gnomAD v2.1.1 dataset (total allele frequency: 0.015%). Missense changes are a common disease-causing mechanism. In silico tool predictions suggest damaging effect of the variant on gene or gene product (REVEL: 0.70; 3Cnet: 0.78). Same nucleotide change resulting in same amino acid change has been previously reported as pathogenic/likely pathogenic with strong evidence (ClinVar ID: VCV000627403). A different missense change at the same codon (p.Ala282Thr) has been reported to be associated with F7 related disorder (PMID: 11129332). Therefore, this variant is classified as Pathogenic according to the recommendation of ACMG/AMP guideline.

Fulgent Genetics
Classification: Pathogenic for Congenital factor VII deficiency; Myocardial infarction, susceptibility to. Last evaluated: 2022-04-28. Review status: criteria provided, single submitter. Criteria: ACMG Guidelines, 2015. Collection method: clinical testing. Allele origin: unknown.

NIHR Bioresource Rare Diseases, University of Cambridge
Classification: Likely pathogenic for Congenital factor VII deficiency. Last evaluated: 2019-02-01. Review status: criteria provided, single submitter. Criteria: ACMG Guidelines, 2015. Collection method: research. Allele origin: unknown. Affected: yes. Observed: 1 heterozygote. Study: ThromboGenomics.

ISTH-SSC Genomics in Thrombosis and Hemostasis, KU Leuven, Center for Molecular and Vascular Biology
Classification: Likely pathogenic for Congenital factor VII deficiency. Review status: criteria provided, single submitter. Criteria: ACMG Guidelines, 2015. Collection method: clinical testing. Allele origin: germline. Affected: yes. Observed: 1 homozygote.
Comment: Submitted to GoldVariant by Kathleen Freson, Center for Molecular and Vascular Biology, Leuven, Belgium

Clinical Laboratory Sciences Program (CLSP), King Saud bin Abdulaziz University for Health Sciences (KSAU-HS)
Classification: Pathogenic for Congenital factor VII deficiency. Last evaluated: 2023-04-01. Review status: no assertion criteria provided. Collection method: clinical testing. Allele origin: germline. Affected: yes. Not counted in ClinVar's aggregate classification.

OMIM
Classification: Pathogenic for FACTOR VII DEFICIENCY. Last evaluated: 1996-09-01. Review status: no assertion criteria provided. Collection method: literature only. Allele origin: germline. Not counted in ClinVar's aggregate classification.

Literature cited by the submitters: PubMed 10554827 (cited by Mayo Clinic Laboratories, Mayo Clinic); PubMed 28447100 (cited by Mayo Clinic Laboratories, Mayo Clinic); PubMed 29104756 (cited by Mayo Clinic Laboratories, Mayo Clinic); PubMed 31064749 (cited by Mayo Clinic Laboratories, Mayo Clinic and NIHR Bioresource Rare Diseases, University of Cambridge); PubMed 36760778 (cited by Mayo Clinic Laboratories, Mayo Clinic); PubMed 37647632 (cited by Mayo Clinic Laboratories, Mayo Clinic); PubMed 37761907 (cited by Mayo Clinic Laboratories, Mayo Clinic); PubMed 38202056 (cited by Mayo Clinic Laboratories, Mayo Clinic); PubMed 38397060 (cited by Mayo Clinic Laboratories, Mayo Clinic); PubMed 11129332 (cited by 3billion); PubMed 8883260 (cited by OMIM).

NM_019616.4(F7):c.845C>T (p.Ala282Val)

Gene: F7 (coagulation factor VII; plus strand). Cytogenetic location: 13q34.
Variant type: single nucleotide variant.
Coding change: c.845C>T on transcript NM_019616.4 (MANE Select); coding-DNA position 845, C replaced by T.
Protein change: p.Ala282Val; replaces alanine 282 with valine.
Molecular consequence: missense variant. On other transcripts: non-coding transcript variant (1).
Genome position (GRCh38, 1-based): chr13:113,118,518, C>T. VCF-style: chr13-113118518-C-T. GRCh37 (hg19) VCF-style: chr13-113772832-C-T.
Other names: F7, ALA244VAL; A244V; c.911C>T, p.Ala304Val (NM_000131.5); c.659C>T, p.Ala220Val (NM_001267554.2); short protein forms A282V, A304V, A220V.
Identifiers: ClinVar variation 627403 (VCV000627403.46), dbSNP rs121964931, ClinGen allele CA7060164.